The following is an entry in ClinVar:

NM_005045.4(RELN):c.5747C>G (p.Thr1916Ser)

Gene: RELN (reelin; minus strand). Cytogenetic location: 7q22.1.
Variant type: single nucleotide variant.
Coding change: c.5747C>G on transcript NM_005045.4 (MANE Select); coding-DNA position 5747, C replaced by G.
Protein change: p.Thr1916Ser; replaces threonine 1916 with serine.
Molecular consequence: missense variant.
Genome position (GRCh38, 1-based): chr7:103,557,027, G>C on the plus strand (C>G on the coding strand, the complement: RELN is on the minus strand). VCF-style: chr7-103557027-G-C. GRCh37 (hg19) VCF-style: chr7-103197474-G-C.
Other names: c.5747C>G, p.Thr1916Ser (NM_173054.3); short protein forms T1916S.
Identifiers: ClinVar variation 432572 (VCV000432572.6), dbSNP rs1223552734, ClinGen allele CA368741363.
Genomic context (GRCh38, chr7:103,557,027, plus strand): 5'-GCATTTTTACCGTTATTATAAGGTTGCCAGAGTCTGAATCTTGTAGCATTGGTTTGGGCA[G>C]TGTATGGCAAGGGAACATTGATGAAAAGTATATTCGTTGTTTGAGGAAAGTAAAATTCAT-3'
Protein context (NP_005036.2, residues 1906-1926): ILFINVPLPY[Thr1916Ser]AQTNATRFRL

ClinVar aggregate classification (germline): Uncertain significance. Review status: criteria provided, multiple submitters, no conflicts (2 of 4 stars). 2 submissions from 2 submitters: Uncertain significance (2). Last evaluated 2023-04-12.

Conditions:
Norman-Roberts syndrome (LIS2). Also called: Lissencephaly 2 (Norman-Roberts type). Identifiers: Orphanet 89844, MedGen C0796089, MONDO:0009760, OMIM 257320.
Familial temporal lobe epilepsy 7. Identifiers: Orphanet 101046, MedGen C4225327, MONDO:0014639, OMIM 616436.

Allele frequency attached by ClinVar (database versions not stated): gnomAD exomes below 0.00001; TOPMed below 0.00001; gnomAD 0.00001.
gnomAD v4.1: 2 of 1,613,734 alleles (0.00012%); highest among the groups gnomAD compares: African/African-American, 0.0013%; no homozygotes.

Submissions (2):

Labcorp Genetics (formerly Invitae), Labcorp
Classification: Uncertain significance for Familial temporal lobe epilepsy 7; Norman-Roberts syndrome. Last evaluated: 2023-04-12. Review status: criteria provided, single submitter. Criteria: Invitae Variant Classification Sherloc (09022015). Collection method: clinical testing. Allele origin: germline.
Comment: This sequence change replaces threonine, which is neutral and polar, with serine, which is neutral and polar, at codon 1916 of the RELN protein (p.Thr1916Ser). This variant is not present in population databases (gnomAD no frequency). This variant has not been reported in the literature in individuals affected with RELN-related conditions. In summary, the available evidence is currently insufficient to determine the role of this variant in disease. Therefore, it has been classified as a Variant of Uncertain Significance. Advanced modeling of protein sequence and biophysical properties (such as structural, functional, and spatial information, amino acid conservation, physicochemical variation, residue mobility, and thermodynamic stability) performed at Invitae indicates that this missense variant is not expected to disrupt RELN protein function. ClinVar contains an entry for this variant (Variation ID: 432572).

GeneDx
Classification: Uncertain significance. Last evaluated: 2017-06-13. Review status: criteria provided, single submitter. Criteria: GeneDx Variant Classification (06012015). Collection method: clinical testing. Allele origin: germline. Affected: yes.
Comment: A variant of uncertain significance has been identified in the RELN gene. The T1916S variant has not been published as a pathogenic variant, nor has it been reported as a benign variant to our knowledge. The T1916S variant is not observed in large population cohorts (Lek et al., 2016; 1000 Genomes Consortium et al., 2015; Exome Variant Server). The T1916S variant is a conservative amino acid substitution, which is not likely to impact secondary protein structure as these residues share similar properties. This substitution occurs at a position that is not conserved and in silico analysis predicts this variant likely does not alter the protein structure/function. Based on the currently available information, it is unclear whether this variant is a pathogenic variant or a rare benign variant.